The following is an entry in ClinVar:

ClinVar aggregate classification (germline): Conflicting classifications of pathogenicity. Review status: criteria provided, conflicting classifications (1 of 4 stars). 4 submissions from 3 submitters: Uncertain significance (1); Likely benign (3). Last evaluated 2025-12-22.

Conditions:
Pseudoachondroplastic spondyloepiphyseal dysplasia syndrome (PSACH). Also called: COMP-Related Pseudoachondroplasia; PSEUDOACHONDROPLASTIC DYSPLASIA; Pseudoachondroplasia. Identifiers: Orphanet 750, MedGen C0410538, MONDO:0008322, OMIM 177170.
Multiple epiphyseal dysplasia type 1. Also called: COMP-Related Multiple Epiphyseal Dysplasia. Identifiers: Orphanet 93308, MedGen C1838280, MONDO:0007561, OMIM 132400.

Allele frequency attached by ClinVar (database versions not stated): ExAC 0.00009; gnomAD exomes 0.00013; gnomAD 0.00018 and 0.00019; TOPMed 0.00019.
gnomAD v4.1: 534 of 1,610,438 alleles (0.033%); highest among the groups gnomAD compares: Non-Finnish European, 0.043%; 1 homozygote.

Submissions (4):

Labcorp Genetics (formerly Invitae), Labcorp
Classification: Likely benign. Last evaluated: 2025-12-22. Review status: criteria provided, single submitter. Criteria: Invitae Variant Classification Sherloc (09022015). Collection method: clinical testing. Allele origin: germline.

ARUP Laboratories, Molecular Genetics and Genomics, ARUP Laboratories
Classification: Likely benign. Last evaluated: 2020-03-24. Review status: criteria provided, single submitter. Criteria: ARUP Molecular Germline Variant Investigation Process. Collection method: clinical testing. Allele origin: germline.

Illumina Laboratory Services, Illumina
Classification: Uncertain significance for Multiple epiphyseal dysplasia type 1. Last evaluated: 2018-01-13. Review status: criteria provided, single submitter. Criteria: ICSL Variant Classification Criteria 13 December 2019. Collection method: clinical testing. Allele origin: germline.

Illumina Laboratory Services, Illumina
Classification: Likely benign for Pseudoachondroplastic spondyloepiphyseal dysplasia syndrome. Last evaluated: 2018-01-13. Review status: criteria provided, single submitter. Criteria: ICSL Variant Classification Criteria 13 December 2019. Collection method: clinical testing. Allele origin: germline.
Comment: This variant was observed in the ICSL laboratory as part of a predisposition screen in an ostensibly healthy population. It had not been previously curated by ICSL or reported in the Human Gene Mutation Database (HGMD: prior to June 1st, 2018), and was therefore a candidate for classification through an automated scoring system. Utilizing variant allele frequency, disease prevalence and penetrance estimates, and inheritance mode, an automated score was calculated to assess if this variant is too frequent to cause the disease. Based on the score and internal cut-off values, a variant classified as likely benign is not then subjected to further curation. The score for this variant resulted in a classification of likely benign for this disease.

NM_000095.3(COMP):c.868-4C>T

Gene: COMP (cartilage oligomeric matrix protein; minus strand). Cytogenetic location: 19p13.11.
Variant type: single nucleotide variant.
Coding change: c.868-4C>T on transcript NM_000095.3 (MANE Select); 4 bases into the intron before coding-DNA position 868, C replaced by T.
Molecular consequence: intron variant.
Genome position (GRCh38, 1-based): chr19:18,788,323, G>A on the plus strand (C>T on the coding strand, the complement: COMP is on the minus strand). VCF-style: chr19-18788323-G-A. GRCh37 (hg19) VCF-style: chr19-18899132-G-A.
Identifiers: ClinVar variation 328616 (VCV000328616.21), dbSNP rs529806631, ClinGen allele CA9316595.
Genomic context (GRCh38, chr19:18,788,323, plus strand): 5'-GATGCCATCGCGGTCCACATCCTCCTGCCCTGAGTTGGGCACAGTCACGCAGTTGTCCTG[G>A]GGGCGGGCACAGAAGGTGTGAGGGGCGCGGTCATGAAGTCCCGCCCTCCCTCCTGCCCAA-3'